The following is an entry in ClinVar:

ClinVar aggregate classification (germline): Uncertain significance. Review status: criteria provided, multiple submitters, no conflicts (2 of 4 stars). 2 submissions from 2 submitters: Uncertain significance (2). Last evaluated 2025-07-14.

Conditions:
Cardiomyopathy (CMYO). Also called: Cardiomyopathies. Identifiers: Orphanet 167848, MedGen C0878544, MONDO:0004994, HP:0001638. Inheritance: Various modes of inheritance.

Submissions (2):

Color Diagnostics, LLC DBA Color Health
Classification: Uncertain significance for Cardiomyopathy. Last evaluated: 2025-07-14. Review status: criteria provided, single submitter. Criteria: ACMG Guidelines, 2015. Collection method: clinical testing. Allele origin: germline.
Comment: This missense variant replaces lysine with asparagine at codon 578 of the DSP protein. Computational prediction suggests that this variant may not impact protein structure and function. To our knowledge, functional studies have not been reported for this variant. This variant has not been reported in individuals affected with DSP-related disorders in the literature. This variant has not been identified in the general population by the Genome Aggregation Database (gnomAD). The available evidence is insufficient to determine the role of this variant in disease conclusively. Therefore, this variant is classified as a Variant of Uncertain Significance.

GeneDx
Classification: Uncertain significance. Last evaluated: 2023-10-20. Review status: criteria provided, single submitter. Criteria: GeneDx Variant Classification Process June 2021. Collection method: clinical testing. Allele origin: germline. Affected: yes.
Comment: Not observed at significant frequency in large population cohorts (gnomAD); In silico analysis supports that this missense variant does not alter protein structure/function; Has not been previously published as pathogenic or benign to our knowledge

NM_004415.4(DSP):c.1734G>C (p.Lys578Asn)

Gene: DSP (desmoplakin; plus strand). Cytogenetic location: 6p24.3.
Variant type: single nucleotide variant.
Coding change: c.1734G>C on transcript NM_004415.4 (MANE Select); coding-DNA position 1734, G replaced by C.
Protein change: p.Lys578Asn; replaces lysine 578 with asparagine.
Molecular consequence: missense variant.
Genome position (GRCh38, 1-based): chr6:7,571,415, G>C. VCF-style: chr6-7571415-G-C. GRCh37 (hg19) VCF-style: chr6-7571648-G-C.
Other names: c.1734G>C, p.Lys578Asn (NM_001008844.3, NM_001319034.2); short protein forms K578N.
Identifiers: ClinVar variation 3342835 (VCV003342835.2).